The following is an entry in ClinVar:

ClinVar aggregate classification (germline): Uncertain significance (1 of 4 stars; one submission).

Conditions:
Vici syndrome (VICIS). Identifiers: Orphanet 1493, MedGen C1855772, MONDO:0009452, OMIM 242840.

Allele frequency attached by ClinVar (database versions not stated): ExAC 0.00008; TOPMed 0.00037; gnomAD 0.00040 and 0.00041; 1000 Genomes Project 0.00060; 1000 Genomes Project 30x 0.00094.
gnomAD v4.1: 116 of 1,609,416 alleles (0.0072%); highest among the groups gnomAD compares: African/African-American, 0.13%; no homozygotes.

Submission:

Labcorp Genetics (formerly Invitae), Labcorp
Classification: Uncertain significance for Vici syndrome. Last evaluated: 2024-11-29. Review status: criteria provided, single submitter. Criteria: Invitae Variant Classification Sherloc (09022015). Collection method: clinical testing. Allele origin: germline.
Comment: This sequence change replaces isoleucine, which is neutral and non-polar, with valine, which is neutral and non-polar, at codon 1894 of the EPG5 protein (p.Ile1894Val). This variant is present in population databases (rs138221907, gnomAD 0.2%). This variant has not been reported in the literature in individuals affected with EPG5-related conditions. ClinVar contains an entry for this variant (Variation ID: 1044323). Invitae Evidence Modeling of protein sequence and biophysical properties (such as structural, functional, and spatial information, amino acid conservation, physicochemical variation, residue mobility, and thermodynamic stability) indicates that this missense variant is not expected to disrupt EPG5 protein function with a negative predictive value of 80%. In summary, the available evidence is currently insufficient to determine the role of this variant in disease. Therefore, it has been classified as a Variant of Uncertain Significance.

NM_020964.3(EPG5):c.5680A>G (p.Ile1894Val)

Gene: EPG5 (ectopic P-granules 5 autophagy tethering factor; minus strand). Cytogenetic location: 18q12.3.
Variant type: single nucleotide variant.
Coding change: c.5680A>G on transcript NM_020964.3 (MANE Select); coding-DNA position 5680, A replaced by G.
Protein change: p.Ile1894Val; replaces isoleucine 1894 with valine.
Molecular consequence: missense variant.
Genome position (GRCh38, 1-based): chr18:45,879,202, T>C on the plus strand (A>G on the coding strand, the complement: EPG5 is on the minus strand). VCF-style: chr18-45879202-T-C. GRCh37 (hg19) VCF-style: chr18-43459167-T-C.
Other names: short protein forms I1894V.
Identifiers: ClinVar variation 1044323 (VCV001044323.6), dbSNP rs138221907, ClinGen allele CA8948499.